The following is an entry in ClinVar:

NM_022051.3(EGLN1):c.346C>A (p.Pro116Thr)

Gene: EGLN1 (egl-9 family hypoxia inducible factor 1; minus strand). Cytogenetic location: 1q42.2.
Variant type: single nucleotide variant.
Coding change: c.346C>A on transcript NM_022051.3 (MANE Select); coding-DNA position 346, C replaced by A.
Protein change: p.Pro116Thr; replaces proline 116 with threonine.
Molecular consequence: missense variant.
Genome position (GRCh38, 1-based): chr1:231,421,543, G>T on the plus strand (C>A on the coding strand, the complement: EGLN1 is on the minus strand). VCF-style: chr1-231421543-G-T. GRCh37 (hg19) VCF-style: chr1-231557289-G-T.
Other names: c.346C>A, p.Pro116Thr (NM_001377260.1, NM_001377261.1); short protein forms P116T.
Identifiers: ClinVar variation 1422938 (VCV001422938.11), dbSNP rs944307657, ClinGen allele CA38948874.

ClinVar aggregate classification (germline): Uncertain significance. Review status: criteria provided, multiple submitters, no conflicts (2 of 4 stars). 2 submissions from 2 submitters: Uncertain significance (2). Last evaluated 2025-07-31.

Conditions:
Erythrocytosis, familial, 3 (ECYT3). Identifiers: Orphanet 247511, MedGen C1853286, MONDO:0012353, OMIM 609820.

gnomAD v4.1: 33 of 1,305,632 alleles (0.0025%); highest among the groups gnomAD compares: African/African-American, 0.011%; no homozygotes.

Submissions (2):

Ambry Genetics
Classification: Uncertain significance. Last evaluated: 2025-07-31. Review status: criteria provided, single submitter. Criteria: Ambry Variant Classification Scheme 2023. Collection method: clinical testing. Allele origin: germline.
Comment: The p.P116T variant (also known as c.346C>A), located in coding exon 1 of the EGLN1 gene, results from a C to A substitution at nucleotide position 346. The proline at codon 116 is replaced by threonine, an amino acid with highly similar properties. This amino acid position is conserved. In addition, this alteration is predicted to be tolerated by in silico analysis. Since supporting evidence is limited at this time, the clinical significance of this alteration remains unclear.

Labcorp Genetics (formerly Invitae), Labcorp
Classification: Uncertain significance for Erythrocytosis, familial, 3. Last evaluated: 2025-02-03. Review status: criteria provided, single submitter. Criteria: Invitae Variant Classification Sherloc (09022015). Collection method: clinical testing. Allele origin: germline.
Comment: This sequence change replaces proline, which is neutral and non-polar, with threonine, which is neutral and polar, at codon 116 of the EGLN1 protein (p.Pro116Thr). This variant is present in population databases (no rsID available, gnomAD 0.01%). This missense change has been observed in individual(s) with clinical features of erythrocytosis (PMID: 37317877). ClinVar contains an entry for this variant (Variation ID: 1422938). An algorithm developed to predict the effect of missense changes on protein structure and function (PolyPhen-2) suggests that this variant is likely to be disruptive. In summary, the available evidence is currently insufficient to determine the role of this variant in disease. Therefore, it has been classified as a Variant of Uncertain Significance.

Literature cited by the submitters: PubMed 37317877 (cited by Labcorp Genetics (formerly Invitae), Labcorp).